The following is an entry in ClinVar:

NM_007217.4(PDCD10):c.193A>C (p.Lys65Gln)

Gene: PDCD10 (programmed cell death 10; minus strand). Cytogenetic location: 3q26.1.
Variant type: single nucleotide variant.
Coding change: c.193A>C on transcript NM_007217.4 (MANE Select); coding-DNA position 193, A replaced by C.
Protein change: p.Lys65Gln; replaces lysine 65 with glutamine.
Molecular consequence: missense variant.
Genome position (GRCh38, 1-based): chr3:167,697,084, T>G on the plus strand (A>C on the coding strand, the complement: PDCD10 is on the minus strand). VCF-style: chr3-167697084-T-G. GRCh37 (hg19) VCF-style: chr3-167414872-T-G.
Other names: c.193A>C, p.Lys65Gln (NM_145859.2, NM_145860.2); short protein forms K65Q.
Identifiers: ClinVar variation 2586963 (VCV002586963.2), dbSNP rs766570133, ClinGen allele CA2694638.

ClinVar aggregate classification (germline): Uncertain significance (1 of 4 stars; one submission).

Conditions:
Inborn genetic diseases. Identifiers: MedGen C0950123, MeSH D030342.

Allele frequency attached by ClinVar (database versions not stated): gnomAD exomes below 0.00001; gnomAD 0.00001; TOPMed 0.00001; ExAC 0.00002.
gnomAD v4.1: 4 of 1,610,982 alleles (0.00025%); highest among the groups gnomAD compares: African/African-American, 0.0053%; no homozygotes.

Submission:

Ambry Genetics
Classification: Uncertain significance for Inborn genetic diseases. Last evaluated: 2023-08-11. Review status: criteria provided, single submitter. Criteria: Ambry Variant Classification Scheme 2023. Collection method: clinical testing. Allele origin: germline.
Comment: The p.K65Q variant (also known as c.193A>C), located in coding exon 3 of the PDCD10 gene, results from an A to C substitution at nucleotide position 193. The lysine at codon 65 is replaced by glutamine, an amino acid with similar properties. This amino acid position is conserved. In addition, the in silico prediction for this alteration is inconclusive. Since supporting evidence is limited at this time, the clinical significance of this alteration remains unclear.